The following is an entry in ClinVar:

NM_145059.3(FCSK):c.1000_1018del (p.Glu335fs)

Gene: FCSK (fucose kinase; plus strand). Cytogenetic location: 16q22.1.
Variant type: Deletion.
Coding change: c.1000_1018del on transcript NM_145059.3 (MANE Select); coding-DNA positions 1000 to 1018, 19 bases deleted (AGTGAGTTCCTGCTCAGCC).
Protein change: p.Glu335fs; shifts the reading frame from glutamic acid 335.
Molecular consequence: frameshift variant.
Genome position (GRCh38, 1-based): chr16:70,470,358-70,470,376, AGTGAGTTCCTGCTCAGCC deleted; deleting any 19 consecutive bases within chr16:70,470,351-70,470,376 gives the same sequence; the c. name uses the placement nearest the transcript's 3' end. VCF-style (leftmost placement, unchanged base first): chr16-70470350-CCTCAGCCAGTGAGTTCCTG-C. GRCh37 (hg19) VCF-style: chr16-70504253-CCTCAGCCAGTGAGTTCCTG-C.
Other names: short protein forms E335fs.
Identifiers: ClinVar variation 3065568 (VCV003065568.2), dbSNP rs772518056, ClinGen allele CA8143157.

ClinVar aggregate classification (germline): Pathogenic/Likely pathogenic. Review status: criteria provided, multiple submitters, no conflicts (2 of 4 stars). 2 submissions from 2 submitters: Pathogenic (1); Likely pathogenic (1). Last evaluated 2024-03-29.

Conditions:
Congenital disorder of glycosylation with defective fucosylation 2 (CDGF2). Identifiers: MedGen C5193028, MONDO:0020777, OMIM 618324.

Submissions (2):

Genomic Medicine Center of Excellence, King Faisal Specialist Hospital and Research Centre
Classification: Likely pathogenic for Congenital disorder of glycosylation with defective fucosylation 2. Last evaluated: 2024-03-29. Review status: criteria provided, single submitter. Criteria: ACMG Guidelines, 2015. Collection method: clinical testing. Allele origin: germline.

3billion
Classification: Pathogenic for Congenital disorder of glycosylation with defective fucosylation 2. Last evaluated: 2023-12-02. Review status: criteria provided, single submitter. Criteria: ACMG Guidelines, 2015. Collection method: clinical testing. Allele origin: germline. Affected: yes.
Comment: The variant is observed at an extremely low frequency in the gnomAD v2.1.1 dataset (total allele frequency: 0.004%). Predicted Consequence/Location: Frameshift: predicted to result in a loss or disruption of normal protein function through nonsense-mediated decay (NMD) or protein truncation. Multiple pathogenic variants are reported downstream of the variant. The variant has been reported to be associated with FCSK related disorder (PMID: 34802815). Therefore, this variant is classified as Pathogenic according to the recommendation of ACMG/AMP guideline.

Literature cited by the submitters: PubMed 34802815 (cited by 3billion).